The following is an entry in ClinVar:

ClinVar aggregate classification (germline): Uncertain significance. Review status: criteria provided, multiple submitters, no conflicts (2 of 4 stars). 3 submissions from 3 submitters: Uncertain significance (3). Last evaluated 2026-08-08.

Conditions:
Hereditary cancer-predisposing syndrome. Also called: Neoplastic Syndromes, Hereditary; Tumor predisposition; Hereditary Cancer Syndrome; Hereditary neoplastic syndrome. Identifiers: Orphanet 140162, MedGen C0027672, MeSH D009386, MONDO:0015356.

Submissions (3):

Ambry Genetics
Classification: Uncertain significance for Hereditary cancer-predisposing syndrome. Last evaluated: 2026-08-08. Review status: criteria provided, single submitter. Criteria: Ambry Variant Classification Scheme 2023. Collection method: clinical testing. Allele origin: germline.
Comment: The p.Q1243R variant (also known as c.3728A>G), located in coding exon 30 of the POLE gene, results from an A to G substitution at nucleotide position 3728. The glutamine at codon 1243 is replaced by arginine, an amino acid with highly similar properties. This amino acid position is conserved. In addition, this alteration is predicted to be tolerated by in silico analysis. Based on the available evidence, the clinical significance of this variant remains unclear.

Labcorp Genetics (formerly Invitae), Labcorp
Classification: Uncertain significance. Last evaluated: 2024-10-02. Review status: criteria provided, single submitter. Criteria: Invitae Variant Classification Sherloc (09022015). Collection method: clinical testing. Allele origin: germline.
Comment: This sequence change replaces glutamine, which is neutral and polar, with arginine, which is basic and polar, at codon 1243 of the POLE protein (p.Gln1243Arg). This variant is not present in population databases (gnomAD no frequency). This variant has not been reported in the literature in individuals affected with POLE-related conditions. ClinVar contains an entry for this variant (Variation ID: 1306874). Invitae Evidence Modeling of protein sequence and biophysical properties (such as structural, functional, and spatial information, amino acid conservation, physicochemical variation, residue mobility, and thermodynamic stability) indicates that this missense variant is not expected to disrupt POLE protein function with a negative predictive value of 80%. In summary, the available evidence is currently insufficient to determine the role of this variant in disease. Therefore, it has been classified as a Variant of Uncertain Significance.

GeneDx
Classification: Uncertain significance. Last evaluated: 2019-06-28. Review status: criteria provided, single submitter. Criteria: GeneDx Variant Classification Process June 2021. Collection method: clinical testing. Allele origin: germline. Affected: yes.
Comment: Not observed in large population cohorts (Lek et al., 2016); In silico analysis, which includes protein predictors and evolutionary conservation, supports that this variant does not alter protein structure/function; Has not been previously published as pathogenic or benign to our knowledge

NM_006231.4(POLE):c.3728A>G (p.Gln1243Arg)

Gene: POLE (DNA polymerase epsilon, catalytic subunit; minus strand). Cytogenetic location: 12q24.33.
Variant type: single nucleotide variant.
Coding change: c.3728A>G on transcript NM_006231.4 (MANE Select); coding-DNA position 3728, A replaced by G.
Protein change: p.Gln1243Arg; replaces glutamine 1243 with arginine.
Molecular consequence: missense variant.
Genome position (GRCh38, 1-based): chr12:132,649,744, T>C on the plus strand (A>G on the coding strand, the complement: POLE is on the minus strand). VCF-style: chr12-132649744-T-C. GRCh37 (hg19) VCF-style: chr12-133226330-T-C.
Other names: short protein forms Q1243R.
Identifiers: ClinVar variation 1306874 (VCV001306874.6), dbSNP rs2042378286, ClinGen allele CA387386297.